The following is an entry in ClinVar:

ClinVar aggregate classification (germline): Uncertain significance (1 of 4 stars; one submission).

Conditions:
Cardiovascular phenotype. Identifiers: MedGen CN230736.

Submission:

Ambry Genetics
Classification: Uncertain significance for Cardiovascular phenotype. Last evaluated: 2021-11-15. Review status: criteria provided, single submitter. Criteria: Ambry Variant Classification Scheme 2023. Collection method: clinical testing. Allele origin: germline.
Comment: The p.V1904A variant (also known as c.5711T>C), located in coding exon 27 of the SCN10A gene, results from a T to C substitution at nucleotide position 5711. The valine at codon 1904 is replaced by alanine, an amino acid with similar properties. This amino acid position is conserved. In addition, this alteration is predicted to be tolerated by in silico analysis. Since supporting evidence is limited at this time, the clinical significance of this alteration remains unclear.

NM_006514.4(SCN10A):c.5711T>C (p.Val1904Ala)

Gene: SCN10A (sodium voltage-gated channel alpha subunit 10; minus strand). Cytogenetic location: 3p22.2.
Variant type: single nucleotide variant.
Coding change: c.5711T>C on transcript NM_006514.4 (MANE Select); coding-DNA position 5711, T replaced by C.
Protein change: p.Val1904Ala; replaces valine 1904 with alanine.
Molecular consequence: missense variant.
Genome position (GRCh38, 1-based): chr3:38,697,509, A>G on the plus strand (T>C on the coding strand, the complement: SCN10A is on the minus strand). VCF-style: chr3-38697509-A-G. GRCh37 (hg19) VCF-style: chr3-38739000-A-G.
Other names: c.5708T>C, p.Val1903Ala (NM_001293306.2); c.5417T>C, p.Val1806Ala (NM_001293307.2); short protein forms V1904A, V1806A, V1903A.
Identifiers: ClinVar variation 1749249 (VCV001749249.2), dbSNP rs2470548767, ClinGen allele CA352152508.